The following is an entry in ClinVar:

NM_005909.5(MAP1B):c.2781A>C (p.Glu927Asp)

Gene: MAP1B (microtubule associated protein 1B; plus strand). Cytogenetic location: 5q13.2.
Variant type: single nucleotide variant.
Coding change: c.2781A>C on transcript NM_005909.5 (MANE Select); coding-DNA position 2781, A replaced by C.
Protein change: p.Glu927Asp; replaces glutamic acid 927 with aspartic acid.
Molecular consequence: missense variant.
Genome position (GRCh38, 1-based): chr5:72,196,136, A>C. VCF-style: chr5-72196136-A-C. GRCh37 (hg19) VCF-style: chr5-71491963-A-C.
Other names: c.2403A>C, p.Glu801Asp (NM_001324255.2); short protein forms E801D, E927D.
Identifiers: ClinVar variation 2629486 (VCV002629486.2), dbSNP rs1183321418, ClinGen allele CA360008646.

ClinVar aggregate classification (germline): Uncertain significance (1 of 4 stars; one submission).

Conditions:
MAP1B-related disorder. Also called: MAP1B-related condition.

Allele frequency attached by ClinVar (database versions not stated): gnomAD exomes below 0.00001; gnomAD 0.00001; TOPMed 0.00002.
gnomAD v4.1: 4 of 1,613,432 alleles (0.00025%); highest among the groups gnomAD compares: Non-Finnish European, 0.00034%; no homozygotes.

Submission:

PreventionGenetics, part of Exact Sciences
Classification: Uncertain significance for MAP1B-related condition. Last evaluated: 2025-12-31. Review status: criteria provided, single submitter. Criteria: ACMG Guidelines, 2015. Collection method: clinical testing. Allele origin: germline.
Comment: The MAP1B c.2781A>C variant is predicted to result in the amino acid substitution p.Glu927Asp. To our knowledge, this variant has not been reported in the literature or in a large population database (gnomAD), indicating this variant is rare. At this time, the clinical significance of this variant is uncertain due to the absence of conclusive functional and genetic evidence.